The following is an entry in ClinVar:

NM_000059.4(BRCA2):c.5056T>G (p.Leu1686Val)

Gene: BRCA2 (BRCA2 DNA repair associated; plus strand). Cytogenetic location: 13q13.1.
Variant type: single nucleotide variant.
Coding change: c.5056T>G on transcript NM_000059.4 (MANE Select); coding-DNA position 5056, T replaced by G.
Protein change: p.Leu1686Val; replaces leucine 1686 with valine.
Molecular consequence: missense variant.
Genome position (GRCh38, 1-based): chr13:32,339,411, T>G. VCF-style: chr13-32339411-T-G. GRCh37 (hg19) VCF-style: chr13-32913548-T-G.
Other names: short protein forms L1686V.
Identifiers: ClinVar variation 1443196 (VCV001443196.12), dbSNP rs2137513514, ClinGen allele CA387784030.
Genomic context (GRCh38, chr13:32,339,411, plus strand): 5'-AATTCAGCCTTAGCTTTTTACACAAGTTGTAGTAGAAAAACTTCTGTGAGTCAGACTTCA[T>G]TACTTGAAGCAAAAAAATGGCTTAGAGAAGGAATATTTGATGGTCAACCAGAAAGAATAA-3'
Protein context (NP_000050.3, residues 1676-1696): SRKTSVSQTS[Leu1686Val]LEAKKWLREG

ClinVar aggregate classification (germline): Conflicting classifications of pathogenicity. Review status: criteria provided, conflicting classifications (1 of 4 stars). 2 submissions from 2 submitters: Uncertain significance (1); Likely benign (1). Last evaluated 2025-11-27.

Conditions:
Hereditary cancer-predisposing syndrome. Also called: Tumor predisposition; Hereditary Cancer Syndrome; Hereditary neoplastic syndrome; Neoplastic Syndromes, Hereditary. Identifiers: Orphanet 140162, MedGen C0027672, MeSH D009386, MONDO:0015356.
Hereditary breast ovarian cancer syndrome. Also called: Hereditary breast and ovarian cancer; Hereditary breast and ovarian cancer syndrome; Breast and ovarian cancer; BRCA1- and BRCA2-Associated Hereditary Breast and Ovarian Cancer; Hereditary breast and/or ovarian cancer syndrome; Hereditary breast and ovarian cancer syndrome (HBOC). Identifiers: Orphanet 145, MedGen C0677776, MeSH D061325, MONDO:0003582. Disease mechanism: loss of function.

Submissions (2):

Labcorp Genetics (formerly Invitae), Labcorp
Classification: Uncertain significance for Hereditary breast ovarian cancer syndrome. Last evaluated: 2025-11-27. Review status: criteria provided, single submitter. Criteria: Invitae Variant Classification Sherloc (09022015). Collection method: clinical testing. Allele origin: germline.
Comment: This sequence change replaces leucine, which is neutral and non-polar, with valine, which is neutral and non-polar, at codon 1686 of the BRCA2 protein (p.Leu1686Val). This variant is not present in population databases (gnomAD no frequency). This variant has not been reported in the literature in individuals affected with BRCA2-related conditions. ClinVar contains an entry for this variant (Variation ID: 1443196). Invitae Evidence Modeling of protein sequence and biophysical properties (such as structural, functional, and spatial information, amino acid conservation, physicochemical variation, residue mobility, and thermodynamic stability) indicates that this missense variant is not expected to disrupt BRCA2 protein function with a negative predictive value of 95%. In summary, the available evidence is currently insufficient to determine the role of this variant in disease. Therefore, it has been classified as a Variant of Uncertain Significance.

University of Washington Department of Laboratory Medicine, University of Washington
Classification: Likely benign for Hereditary cancer-predisposing syndrome. Last evaluated: 2023-03-23. Review status: criteria provided, single submitter. Criteria: Dines et al. (Genet Med. 2020). Collection method: curation. Allele origin: germline.
Comment: Missense variant in a coldspot region where missense variants are very unlikely to be pathogenic (PMID:31911673).

BRCA2 exon 11 coldspot. Reclassification based on statistical prior probability.